The following is an entry in ClinVar:

ClinVar aggregate classification (germline): Uncertain significance (1 of 4 stars; one submission).

Conditions:
Spastic paraplegia. Identifiers: MedGen C0037772, HP:0001258.

Allele frequency attached by ClinVar (database versions not stated): gnomAD exomes below 0.00001.

Submission:

Labcorp Genetics (formerly Invitae), Labcorp
Classification: Uncertain significance for Spastic paraplegia. Last evaluated: 2022-09-27. Review status: criteria provided, single submitter. Criteria: Invitae Variant Classification Sherloc (09022015). Collection method: clinical testing. Allele origin: germline.
Comment: This variant is present in population databases (no rsID available, gnomAD 0.0009%). This variant has not been reported in the literature in individuals affected with KIF5A-related conditions. Advanced modeling of protein sequence and biophysical properties (such as structural, functional, and spatial information, amino acid conservation, physicochemical variation, residue mobility, and thermodynamic stability) performed at Invitae indicates that this missense variant is not expected to disrupt KIF5A protein function. In summary, the available evidence is currently insufficient to determine the role of this variant in disease. Therefore, it has been classified as a Variant of Uncertain Significance. This sequence change replaces glycine, which is neutral and non-polar, with glutamic acid, which is acidic and polar, at codon 979 of the KIF5A protein (p.Gly979Glu).

NM_004984.4(KIF5A):c.2936G>A (p.Gly979Glu)

Gene: KIF5A (kinesin family member 5A; plus strand). Cytogenetic location: 12q13.3.
Variant type: single nucleotide variant.
Coding change: c.2936G>A on transcript NM_004984.4 (MANE Select); coding-DNA position 2936, G replaced by A.
Protein change: p.Gly979Glu; replaces glycine 979 with glutamic acid.
Molecular consequence: missense variant.
Genome position (GRCh38, 1-based): chr12:57,581,896, G>A. VCF-style: chr12-57581896-G-A. GRCh37 (hg19) VCF-style: chr12-57975679-G-A.
Other names: c.2669G>A, p.Gly890Glu (NM_001354705.2); short protein forms G890E, G979E.
Identifiers: ClinVar variation 2161726 (VCV002161726.4), dbSNP rs1156869738, ClinGen allele CA385516607.